The following is an entry in ClinVar:

ClinVar aggregate classification (germline): Pathogenic (1 of 4 stars; one submission).

Submission:

Labcorp Genetics (formerly Invitae), Labcorp
Classification: Pathogenic. Last evaluated: 2023-04-24. Review status: criteria provided, single submitter. Criteria: Invitae Variant Classification Sherloc (09022015). Collection method: clinical testing. Allele origin: germline.
Comment: For these reasons, this variant has been classified as Pathogenic. This sequence change creates a premature translational stop signal (p.Val87Cysfs*9) in the TMEM126A gene. It is expected to result in an absent or disrupted protein product. Loss-of-function variants in TMEM126A are known to be pathogenic (PMID: 19327736). This variant is not present in population databases (gnomAD no frequency). This variant has not been reported in the literature in individuals affected with TMEM126A-related conditions. ClinVar contains an entry for this variant (Variation ID: 2095487).

Literature cited by the submitters: PubMed 19327736.

NM_032273.4(TMEM126A):c.258dup (p.Val87fs)

Gene: TMEM126A (transmembrane protein 126A; plus strand). Cytogenetic location: 11q14.1.
Variant type: Duplication.
Coding change: c.258dup on transcript NM_032273.4 (MANE Select); coding-DNA position 258, one base duplicated (T; older notation c.258dupT).
Protein change: p.Val87fs; shifts the reading frame from valine 87.
Molecular consequence: frameshift variant.
Genome position (GRCh38, 1-based): chr11:85,654,234, T duplicated; the last of 4 consecutive T bases (chr11:85,654,231-85,654,234); duplicating any one gives the same sequence. VCF-style (leftmost placement, unchanged base first): chr11-85654230-G-GT. GRCh37 (hg19) VCF-style: chr11-85365274-G-GT.
Other names: c.48dup, p.Val17fs (NM_001244735.2); short protein forms V17fs, V87fs.
Identifiers: ClinVar variation 2095487 (VCV002095487.4), dbSNP rs2547851268, ClinGen allele CA2580085002.
Genomic context (GRCh38, chr11:85,654,230, plus strand): 5'-TAGCTGCTGGCTTACCAATGGCAGGGATACCTTTTCTTACAACAGACTTAACTTACAGAT[G>GT]TTTTGTAAGTTTTCCTTTGAATACAGGTAAATTCTACTTCACTATCACCAAAGAGTTTGC-3'